The following is an entry in ClinVar:

NM_001843.4(CNTN1):c.1401T>C (p.Gly467=)

Gene: CNTN1 (contactin 1; plus strand). Cytogenetic location: 12q12.
Variant type: single nucleotide variant.
Coding change: c.1401T>C on transcript NM_001843.4 (MANE Select); coding-DNA position 1401, T replaced by C.
Protein change: p.Gly467=; no amino-acid change (glycine 467 retained).
Molecular consequence: synonymous variant.
Genome position (GRCh38, 1-based): chr12:40,943,618, T>C. VCF-style: chr12-40943618-T-C. GRCh37 (hg19) VCF-style: chr12-41337420-T-C.
Other names: c.1401T>C, p.Gly467= (NM_001256063.2, NM_001256064.2); c.1368T>C, p.Gly456= (NM_175038.2).
Identifiers: ClinVar variation 258192 (VCV000258192.40), dbSNP rs61759480, ClinGen allele CA6516853.

ClinVar aggregate classification (germline): Benign/Likely benign. Review status: criteria provided, multiple submitters, no conflicts (2 of 4 stars). 7 submissions from 7 submitters: Benign (3); Likely benign (4). Last evaluated 2026-08-01.

Conditions:
Compton-North congenital myopathy (CMYO12). Identifiers: Orphanet 210163, MedGen C2675527, MONDO:0012929, OMIM 612540.

Allele frequency attached by ClinVar (database versions not stated): 1000 Genomes Project 30x 0.00078; 1000 Genomes Project 0.00080; ExAC 0.00165; gnomAD exomes 0.00190 and 0.00362; TOPMed 0.00198; gnomAD 0.00207 and 0.00215; ESP Exome Variant Server 0.00231.
gnomAD v4.1: 5,421 of 1,588,330 alleles (0.34%); highest among the groups gnomAD compares: Non-Finnish European, 0.44%; 24 homozygotes.

Submissions (7):

CeGaT Center for Human Genetics Tuebingen
Classification: Likely benign. Last evaluated: 2026-08-01. Review status: criteria provided, single submitter. Criteria: CeGaT Center For Human Genetics Tuebingen Variant Classification Criteria Version 2. Collection method: clinical testing. Allele origin: germline. Affected: yes. Observed: 7 variant alleles.
Comment: CNTN1: BP4, BP7, BS2

Labcorp Genetics (formerly Invitae), Labcorp
Classification: Benign for Compton-North congenital myopathy. Last evaluated: 2026-02-01. Review status: criteria provided, single submitter. Criteria: Invitae Variant Classification Sherloc (09022015). Collection method: clinical testing. Allele origin: germline.

Athena Diagnostics
Classification: Benign. Last evaluated: 2025-06-02. Review status: criteria provided, single submitter. Criteria: Athena Diagnostics Criteria. Collection method: clinical testing. Allele origin: unknown.
Comment: The frequency of this variant in the general population is higher than would generally be expected for pathogenic variants in this gene. Computational tools yielded predictions that this variant is unlikely to have an effect on normal RNA splicing. This nucleotide position exhibits low evolutionary conservation.

Blueprint Genetics
Classification: Likely benign. Last evaluated: 2024-11-25. Review status: criteria provided, single submitter. Criteria: ACMG Guidelines, 2015. Collection method: clinical testing. Allele origin: germline.

GeneDx
Classification: Likely benign. Last evaluated: 2020-12-22. Review status: criteria provided, single submitter. Criteria: GeneDx Variant Classification Process June 2021. Collection method: clinical testing. Allele origin: germline. Affected: yes.

Breakthrough Genomics
Classification: Likely benign. Review status: criteria provided, single submitter. Criteria: ACMG Guidelines, 2015. Collection method: not provided. Allele origin: germline. Inheritance: Autosomal recessive inheritance. Affected: yes.

PreventionGenetics, part of Exact Sciences
Classification: Benign. Review status: criteria provided, single submitter. Criteria: ACMG Guidelines, 2015. Collection method: clinical testing. Allele origin: germline.